The following is an entry in ClinVar:

NM_001323289.2(CDKL5):c.2572C>T (p.Arg858Cys)

Gene: CDKL5 (cyclin dependent kinase like 5; plus strand). Cytogenetic location: Xp22.13.
Variant type: single nucleotide variant.
Coding change: c.2572C>T on transcript NM_001323289.2 (MANE Select); coding-DNA position 2572, C replaced by T.
Protein change: p.Arg858Cys; replaces arginine 858 with cysteine.
Molecular consequence: missense variant.
Genome position (GRCh38, 1-based): chrX:18,628,446, C>T. VCF-style: chrX-18628446-C-T. GRCh37 (hg19) VCF-style: chrX-18646566-C-T.
Other names: NM_001323289.2(CDKL5):c.2572C>T; p.Arg858Cys; c.2572C>T, p.Arg858Cys (NM_001037343.2, NM_003159.3); short protein forms R858C.
Identifiers: ClinVar variation 426292 (VCV000426292.13), dbSNP rs773760466, ClinGen allele CA10360567.
Genomic context (GRCh38, chrX:18,628,446, plus strand): 5'-TCACTGCGCAAGTTGTTACATCTCTCTTCGGCCTCAAATCACCCGGCTTCCTCAGATCCC[C>T]GCTTCCAGCCCTTAACAGCTCAACAAACCAAAAATTCCTTCTCAGAAATTCGGATTCACC-3'
Protein context (NP_001310218.1, residues 848-868): ASNHPASSDP[Arg858Cys]FQPLTAQQTK

ClinVar aggregate classification (germline): Benign. Review status: reviewed by expert panel (3 of 4 stars). 4 submissions from 4 submitters: Benign (1). 3 of the submissions do not count toward it. Last evaluated 2026-01-28.

Conditions:
CDKL5 disorder. Identifiers: MedGen CN296942, MONDO:0100039.
Developmental and epileptic encephalopathy, 2 (DEE2). Also called: INFANTILE SPASM SYNDROME, X-LINKED 2; CDKL5 deficiency disorder. Identifiers: Orphanet 1934, Orphanet 3451, Orphanet 505652, MedGen C4750718, MONDO:0010396, OMIM 300672.
Angelman syndrome-like. Identifiers: MedGen CN128785.

Allele frequency attached by ClinVar (database versions not stated): TOPMed 0.00001; ExAC 0.00002; gnomAD 0.00002; gnomAD exomes 0.00004.
gnomAD v4.1: 31 of 1,210,110 alleles (0.0026%); highest among the groups gnomAD compares: Admixed American, 0.0065%; no homozygotes.

Submissions (4):

ClinGen Rett and Angelman-like Disorders Variant Curation Expert Panel
Classification: Benign for CDKL5 disorder. Last evaluated: 2026-01-28. Review status: reviewed by expert panel. Criteria: ClinGen RettAS ACMG Specifications CDKL5 V5.0.0. Collection method: curation. Allele origin: germline. Inheritance: X-linked inheritance.
Comment: The highest population minor allele frequency of the p.Arg858Cys variant in CDKL5 in gnomAD v4.1 is 0.00004538 in the Ashkenazi Jewish population, which is higher than the ClinGen Rett and Angelman-like Disorders VCEP threshold (≥0.0000083) for BS1, and therefore meets this criterion (BS1). The p.Arg858Cys variant is observed in at least 2 unaffected individuals (GeneDx- internal database) (BS2). The p.Arg858Cys variant is found in at least 3 patients with an alternate molecular basis of disease (Labcorp Genetics (formerly Invitae)- internal database; GeneDx- internal database) (BP5_Strong). Computational prediction analysis tools are inconclusive for this variant. In summary, the p.Arg858Cys variant in CDKL5 is classified as benign based on the ACMG/AMP criteria (BS1, BS2, BP5_Strong). (CDKL5 Specifications v.5.0; curation approved on 01/28/2026)

Labcorp Genetics (formerly Invitae), Labcorp
Classification: Likely benign for Developmental and epileptic encephalopathy, 2; Angelman syndrome-like. Last evaluated: 2025-06-20. Review status: criteria provided, single submitter. Criteria: Invitae Variant Classification Sherloc (09022015). Collection method: clinical testing. Allele origin: germline. Not counted in ClinVar's aggregate classification.

Centre for Population Genomics, CPG
Classification: Likely benign for CDKL5 disorder. Last evaluated: 2024-07-12. Review status: criteria provided, single submitter. Criteria: McKnight et al. (Hum Mutat. 2022). Collection method: curation. Allele origin: germline. Inheritance: X-linked inheritance. Not counted in ClinVar's aggregate classification.
Comment: This variant has been collected from RettBASE and curated to current modified ACMG/AMP criteria. Based on the classification scheme defined by the ClinGen Rett/Angelman-like Expert Panel for Rett/AS-like Disorders Specifications to the ACMG/AMP Variant Interpretation Guidelines VCEP 3.0, this variant is classified as likely benign. At least the following criteria are met: The allele frequency of this variant in at least one population in gnomAD v2 is between 0.008% and 0.03% (BS1).

GeneDx
Classification: Uncertain significance. Last evaluated: 2024-01-02. Review status: criteria provided, single submitter. Criteria: GeneDx Variant Classification Process June 2021. Collection method: clinical testing. Allele origin: germline. Affected: yes. Not counted in ClinVar's aggregate classification.
Comment: Observed in patient with epileptic encephalopathy; however, no further clinical information was provided (PMID: 23708187); In silico analysis supports that this missense variant has a deleterious effect on protein structure/function; This variant is associated with the following publications: (PMID: 23708187)